The following is an entry in ClinVar:

ClinVar aggregate classification (germline): Benign. Review status: criteria provided, multiple submitters, no conflicts (2 of 4 stars). 3 submissions from 3 submitters: Benign (2). 1 of the submissions does not count toward it. Last evaluated 2026-01-27.

Conditions:
FOCAD-related disorder. Also called: FOCAD-related condition.

Allele frequency attached by ClinVar (database versions not stated): ExAC 0.00118; 1000 Genomes Project 0.00200; 1000 Genomes Project 30x 0.00219.
gnomAD v4.1: 1,091 of 1,612,516 alleles (0.068%); highest among the groups gnomAD compares: East Asian, 1.7%; 11 homozygotes.

Submissions (3):

Labcorp Genetics (formerly Invitae), Labcorp
Classification: Benign. Last evaluated: 2026-01-27. Review status: criteria provided, single submitter. Criteria: Invitae Variant Classification Sherloc (09022015). Collection method: clinical testing. Allele origin: germline.

CeGaT Center for Human Genetics Tuebingen
Classification: Benign. Last evaluated: 2023-07-01. Review status: criteria provided, single submitter. Criteria: CeGaT Center For Human Genetics Tuebingen Variant Classification Criteria Version 2. Collection method: clinical testing. Allele origin: germline. Affected: yes. Observed: 1 variant allele.
Comment: FOCAD: BP4, BS1, BS2

PreventionGenetics, part of Exact Sciences
Classification: Benign for FOCAD-related condition. Last evaluated: 2019-07-30. Review status: no assertion criteria provided. Collection method: clinical testing. Allele origin: germline. Not counted in ClinVar's aggregate classification.
Comment: This variant is classified as benign based on ACMG/AMP sequence variant interpretation guidelines (Richards et al. 2015 PMID: 25741868, with internal and published modifications).

NM_001375567.1(FOCAD):c.995-8A>G

Gene: FOCAD (focadhesin; plus strand). Cytogenetic location: 9p21.3.
Variant type: single nucleotide variant.
Coding change: c.995-8A>G on transcript NM_001375567.1 (MANE Select); 8 bases into the intron before coding-DNA position 995, A replaced by G.
Molecular consequence: intron variant.
Genome position (GRCh38, 1-based): chr9:20,781,719, A>G. VCF-style: chr9-20781719-A-G. GRCh37 (hg19) VCF-style: chr9-20781718-A-G.
Other names: c.995-8A>G (NM_017794.4, NM_017794.5, NM_001375568.1); c.890-8A>G (NM_001375570.1).
Identifiers: ClinVar variation 2579058 (VCV002579058.28), dbSNP rs142574510, ClinGen allele CA5006584.